The following is an entry in ClinVar:

NM_006841.6(SLC38A3):c.1212G>A (p.Trp404Ter)

Gene: SLC38A3 (solute carrier family 38 member 3; plus strand). Cytogenetic location: 3p21.31.
Variant type: single nucleotide variant.
Coding change: c.1212G>A on transcript NM_006841.6 (MANE Select); coding-DNA position 1212, G replaced by A.
Protein change: p.Trp404Ter; replaces tryptophan 404 with a stop codon.
Molecular consequence: nonsense.
Genome position (GRCh38, 1-based): chr3:50,218,854, G>A. VCF-style: chr3-50218854-G-A. GRCh37 (hg19) VCF-style: chr3-50256286-G-A.
Other names: short protein forms W404*.
Identifiers: ClinVar variation 1321101 (VCV001321101.4), dbSNP rs2109159077, ClinGen allele CA352945072.

ClinVar aggregate classification (germline): Likely pathogenic. Review status: criteria provided, single submitter (1 of 4 stars). 2 submissions from 2 submitters: Likely pathogenic (1). 1 of the submissions does not count toward it. Last evaluated 2025-12-16.

Conditions:
Developmental and epileptic encephalopathy 102. Identifiers: MedGen C5676991, MONDO:0030881, OMIM 619881.

Submissions (2):

GeneDx
Classification: Likely pathogenic. Last evaluated: 2025-12-16. Review status: criteria provided, single submitter. Criteria: GeneDx Variant Classification Process June 2021. Collection method: clinical testing. Allele origin: germline. Affected: yes.
Comment: Nonsense variant predicted to result in protein truncation or nonsense mediated decay in a gene or region of a gene for which loss of function is not a well-established mechanism of disease; Not observed in large population cohorts (gnomAD); This variant is associated with the following publications: (PMID: 34605855)

OMIM
Classification: Pathogenic for DEVELOPMENTAL AND EPILEPTIC ENCEPHALOPATHY 102. Last evaluated: 2022-05-25. Review status: no assertion criteria provided. Collection method: literature only. Allele origin: germline. Not counted in ClinVar's aggregate classification.

Literature cited by the submitters: PubMed 34605855 (cited by OMIM).